The following is an entry in ClinVar:

NM_000400.4(ERCC2):c.971G>A (p.Arg324His)

Gene: ERCC2 (ERCC excision repair 2, TFIIH core complex helicase subunit; minus strand). Cytogenetic location: 19q13.32.
Variant type: single nucleotide variant.
Coding change: c.971G>A on transcript NM_000400.4 (MANE Select); coding-DNA position 971, G replaced by A.
Protein change: p.Arg324His; replaces arginine 324 with histidine.
Molecular consequence: missense variant.
Genome position (GRCh38, 1-based): chr19:45,363,890, C>T on the plus strand (G>A on the coding strand, the complement: ERCC2 is on the minus strand). VCF-style: chr19-45363890-C-T. GRCh37 (hg19) VCF-style: chr19-45867148-C-T.
Other names: c.899G>A, p.Arg300His (NM_001130867.2); short protein forms R300H, R324H.
Identifiers: ClinVar variation 1767974 (VCV001767974.5), dbSNP rs892942500, ClinGen allele CA308966407.

ClinVar aggregate classification (germline): Uncertain significance. Review status: criteria provided, multiple submitters, no conflicts (2 of 4 stars). 2 submissions from 2 submitters: Uncertain significance (2). Last evaluated 2024-07-04.

Conditions:
Inborn genetic diseases. Identifiers: MedGen C0950123, MeSH D030342.

Allele frequency attached by ClinVar (database versions not stated): gnomAD exomes below 0.00001; gnomAD 0.00001; TOPMed 0.00004.
gnomAD v4.1: 6 of 1,548,478 alleles (0.00039%); highest among the groups gnomAD compares: African/African-American, 0.0068%; no homozygotes.

Submissions (2):

Labcorp Genetics (formerly Invitae), Labcorp
Classification: Uncertain significance. Last evaluated: 2024-07-04. Review status: criteria provided, single submitter. Criteria: Invitae Variant Classification Sherloc (09022015). Collection method: clinical testing. Allele origin: germline.
Comment: This sequence change replaces arginine, which is basic and polar, with histidine, which is basic and polar, at codon 324 of the ERCC2 protein (p.Arg324His). This variant is not present in population databases (gnomAD no frequency). This variant has not been reported in the literature in individuals affected with ERCC2-related conditions. ClinVar contains an entry for this variant (Variation ID: 1767974). Advanced modeling of protein sequence and biophysical properties (such as structural, functional, and spatial information, amino acid conservation, physicochemical variation, residue mobility, and thermodynamic stability) performed at Invitae indicates that this missense variant is expected to disrupt ERCC2 protein function with a positive predictive value of 80%. In summary, the available evidence is currently insufficient to determine the role of this variant in disease. Therefore, it has been classified as a Variant of Uncertain Significance.

Ambry Genetics
Classification: Uncertain significance for Inborn genetic diseases. Last evaluated: 2021-08-13. Review status: criteria provided, single submitter. Criteria: Ambry Variant Classification Scheme 2023. Collection method: clinical testing. Allele origin: germline.
Comment: The p.R324H variant (also known as c.971G>A), located in coding exon 11 of the ERCC2 gene, results from a G to A substitution at nucleotide position 971. The arginine at codon 324 is replaced by histidine, an amino acid with highly similar properties. This amino acid position is conserved. In addition, this alteration is predicted to be deleterious by in silico analysis. Since supporting evidence is limited at this time, the clinical significance of this alteration remains unclear.